The following is an entry in ClinVar:

ClinVar aggregate classification (germline): Uncertain significance (1 of 4 stars; one submission).

Conditions:
3-methylcrotonyl-CoA carboxylase 2 deficiency. Also called: METHYLCROTONYLGLYCINURIA, TYPE II; 3 alpha methylcrotonyl-CoA carboxylase 2 deficiency; 3 alpha methylcrotonylglycinuria 2; MCC 2 deficiency; Methylcrotonylglycinuria type 2. Identifiers: Orphanet 6, MedGen C1859499, MONDO:0008862, OMIM 210210.

gnomAD v4.1: 1 of 1,614,190 alleles (0.000062%); no homozygotes.

Submission:

Labcorp Genetics (formerly Invitae), Labcorp
Classification: Uncertain significance for 3-methylcrotonyl-CoA carboxylase 2 deficiency. Last evaluated: 2025-08-03. Review status: criteria provided, single submitter. Criteria: Invitae Variant Classification Sherloc (09022015). Collection method: clinical testing. Allele origin: germline.
Comment: This sequence change replaces glutamic acid, which is acidic and polar, with alanine, which is neutral and non-polar, at codon 158 of the MCCC2 protein (p.Glu158Ala). This variant is not present in population databases (gnomAD no frequency). This variant has not been reported in the literature in individuals affected with MCCC2-related conditions. Invitae Evidence Modeling of protein sequence and biophysical properties (such as structural, functional, and spatial information, amino acid conservation, physicochemical variation, residue mobility, and thermodynamic stability) indicates that this missense variant is not expected to disrupt MCCC2 protein function with a negative predictive value of 80%. In summary, the available evidence is currently insufficient to determine the role of this variant in disease. Therefore, it has been classified as a Variant of Uncertain Significance.

NM_022132.5(MCCC2):c.473A>C (p.Glu158Ala)

Gene: MCCC2 (methylcrotonyl-CoA carboxylase subunit 2; plus strand). Cytogenetic location: 5q13.2.
Variant type: single nucleotide variant.
Coding change: c.473A>C on transcript NM_022132.5 (MANE Select); coding-DNA position 473, A replaced by C.
Protein change: p.Glu158Ala; replaces glutamic acid 158 with alanine.
Molecular consequence: missense variant.
Genome position (GRCh38, 1-based): chr5:71,602,595, A>C. VCF-style: chr5-71602595-A-C. GRCh37 (hg19) VCF-style: chr5-70898422-A-C.
Other names: c.473A>C, p.Glu158Ala (NM_001363147.1); short protein forms E158A.
Identifiers: ClinVar variation 4696464 (VCV004696464.1).